The following is an entry in ClinVar:

NM_001267550.2(TTN):c.45977A>T (p.Asn15326Ile)

Gene: TTN (titin; minus strand). Cytogenetic location: 2q31.2.
Variant type: single nucleotide variant.
Coding change: c.45977A>T on transcript NM_001267550.2 (MANE Select); coding-DNA position 45977, A replaced by T.
Protein change: p.Asn15326Ile; replaces asparagine 15326 with isoleucine.
Molecular consequence: missense variant.
Genome position (GRCh38, 1-based): chr2:178,620,544, T>A on the plus strand (A>T on the coding strand, the complement: TTN is on the minus strand). VCF-style: chr2-178620544-T-A. GRCh37 (hg19) VCF-style: chr2-179485271-T-A.
Other names: c.41054A>T, p.Asn13685Ile (NM_001256850.1); c.18782A>T, p.Asn6261Ile (NM_003319.4); c.38273A>T, p.Asn12758Ile (NM_133378.4); c.19157A>T, p.Asn6386Ile (NM_133432.3); c.19358A>T, p.Asn6453Ile (NM_133437.4); short protein forms N12758I, N13685I, N15326I, N6261I, N6386I, N6453I.
Identifiers: ClinVar variation 1304873 (VCV001304873.3), dbSNP rs2058104840, ClinGen allele CA349630195.
Genomic context (GRCh38, chr2:178,620,544, plus strand): 5'-CGGTTGTCAAAAGGCACTTCTTCACCATTTTTGGTCCACTTCAGTGTTACATTGAGACGA[T>A]TCACCTTGCACCAGAATGTGACAGATTTCTTCTCCATTGTTTCAATATCTTTAAGAGGCT-3'
Protein context (NP_001254479.2, residues 15316-15336): KKSVTFWCKV[Asn15326Ile]RLNVTLKWTK

ClinVar aggregate classification (germline): Uncertain significance. Review status: criteria provided, single submitter (1 of 4 stars). 2 submissions from 2 submitters: Uncertain significance (1). 1 of the submissions does not count toward it. Last evaluated 2019-08-21.

Conditions:
TTN-related disorder. Also called: TTN-related condition; TTN-related disease; TTN-related disorders.

Submissions (2):

GeneDx
Classification: Uncertain significance. Last evaluated: 2019-08-21. Review status: criteria provided, single submitter. Criteria: GeneDx Variant Classification Process June 2021. Collection method: clinical testing. Allele origin: germline. Affected: yes.

PreventionGenetics, part of Exact Sciences
Classification: Uncertain significance for TTN-related condition. Last evaluated: 2024-04-30. Review status: no assertion criteria provided. Collection method: clinical testing. Allele origin: germline. Not counted in ClinVar's aggregate classification.
Comment: The TTN c.45977A>T variant is predicted to result in the amino acid substitution p.Asn15326Ile. To our knowledge, this variant has not been reported in the literature or in a large population database, indicating this variant is rare. At this time, the clinical significance of this variant is uncertain due to the absence of conclusive functional and genetic evidence.